The following is an entry in ClinVar:

NM_001271.4(CHD2):c.1091A>G (p.Asn364Ser)

Gene: CHD2 (chromodomain helicase DNA binding protein 2; plus strand). Cytogenetic location: 15q26.1.
Variant type: single nucleotide variant.
Coding change: c.1091A>G on transcript NM_001271.4 (MANE Select); coding-DNA position 1091, A replaced by G.
Protein change: p.Asn364Ser; replaces asparagine 364 with serine.
Molecular consequence: missense variant.
Genome position (GRCh38, 1-based): chr15:92,944,453, A>G. VCF-style: chr15-92944453-A-G. GRCh37 (hg19) VCF-style: chr15-93487683-A-G.
Other names: c.1091A>G, p.Asn364Ser (NM_001042572.3); short protein forms N364S.
Identifiers: ClinVar variation 210708 (VCV000210708.48), dbSNP rs143043614, ClinGen allele CA206411.
Genomic context (GRCh38, chr15:92,944,453, plus strand): 5'-TTTCTGTCTGTCTGCCATTCAGGTTAGGGAAAGTTTCTCCTGAAGATGTAGAATATTTCA[A>G]TTGCCAACAGGAGCTGGCTTCAGAGTTGAATAAACAGTATCAGATAGTAGAAAGAGTAAT-3'
Protein context (NP_001262.3, residues 354-374): KVSPEDVEYF[Asn364Ser]CQQELASELN

ClinVar aggregate classification (germline): Conflicting classifications of pathogenicity. Review status: criteria provided, conflicting classifications (1 of 4 stars). 7 submissions from 7 submitters: Uncertain significance (1); Benign (1); Likely benign (4). 1 of the submissions does not count toward it. Last evaluated 2026-02-02.

Conditions:
CHD2-related disorder. Also called: CHD2-related condition.
Developmental and epileptic encephalopathy 94 (DEE94). Also called: Epileptic encephalopathy, childhood-onset; CHD2-Related Neurodevelopmental Disorders. Identifiers: Orphanet 1942, Orphanet 2382, MedGen C3809278, MONDO:0014150, OMIM 615369.
Inborn genetic diseases. Identifiers: MedGen C0950123, MeSH D030342.

Allele frequency attached by ClinVar (database versions not stated): gnomAD exomes 0.00024; TOPMed 0.00025; ExAC 0.00026; gnomAD 0.00027 and 0.00029; ESP Exome Variant Server 0.00062.
gnomAD v4.1: 467 of 1,610,954 alleles (0.029%); highest among the groups gnomAD compares: Middle Eastern, 0.05%; no homozygotes.

Submissions (7):

Labcorp Genetics (formerly Invitae), Labcorp
Classification: Likely benign for Developmental and epileptic encephalopathy 94. Last evaluated: 2026-02-02. Review status: criteria provided, single submitter. Criteria: Invitae Variant Classification Sherloc (09022015). Collection method: clinical testing. Allele origin: germline.

CeGaT Center for Human Genetics Tuebingen
Classification: Likely benign. Last evaluated: 2026-01-01. Review status: criteria provided, single submitter. Criteria: CeGaT Center For Human Genetics Tuebingen Variant Classification Criteria Version 2. Collection method: clinical testing. Allele origin: germline. Affected: yes. Observed: 4 variant alleles.
Comment: CHD2: BP4, BS1

Ambry Genetics
Classification: Likely benign for Inborn genetic diseases. Last evaluated: 2025-03-14. Review status: criteria provided, single submitter. Criteria: Ambry Variant Classification Scheme 2023. Collection method: clinical testing. Allele origin: germline.

Blueprint Genetics
Classification: Likely benign. Last evaluated: 2024-11-22. Review status: criteria provided, single submitter. Criteria: ACMG Guidelines, 2015. Collection method: clinical testing. Allele origin: germline.

GeneDx
Classification: Benign. Last evaluated: 2021-02-23. Review status: criteria provided, single submitter. Criteria: GeneDx Variant Classification Process June 2021. Collection method: clinical testing. Allele origin: germline. Affected: yes.
Comment: This variant is associated with the following publications: (PMID: 30564305)

Genetic Services Laboratory, University of Chicago
Classification: Uncertain significance. Last evaluated: 2015-02-25. Review status: criteria provided, single submitter. Criteria: ACMG Guidelines, 2015. Collection method: clinical testing. Allele origin: germline.

PreventionGenetics, part of Exact Sciences
Classification: Likely benign for CHD2-related condition. Last evaluated: 2021-04-24. Review status: no assertion criteria provided. Collection method: clinical testing. Allele origin: germline. Not counted in ClinVar's aggregate classification.
Comment: This variant is classified as likely benign based on ACMG/AMP sequence variant interpretation guidelines (Richards et al. 2015 PMID: 25741868, with internal and published modifications).